The following is an entry in ClinVar:

NM_139137.4(KCNC2):c.99C>T (p.Arg33=)

Gene: KCNC2 (potassium voltage-gated channel subfamily C member 2; minus strand). Cytogenetic location: 12q21.1.
Variant type: single nucleotide variant.
Coding change: c.99C>T on transcript NM_139137.4 (MANE Select); coding-DNA position 99, C replaced by T.
Protein change: p.Arg33=; no amino-acid change (arginine 33 retained).
Molecular consequence: synonymous variant. On other transcripts: non-coding transcript variant (2).
Genome position (GRCh38, 1-based): chr12:75,207,885, G>A on the plus strand (C>T on the coding strand, the complement: KCNC2 is on the minus strand). VCF-style: chr12-75207885-G-A. GRCh37 (hg19) VCF-style: chr12-75601665-G-A.
Other names: c.99C>T, p.Arg33= (NM_001260497.2, NM_001260498.2, NM_001260499.2 and 13 more transcripts).
Identifiers: ClinVar variation 2643182 (VCV002643182.24), dbSNP rs146576149, ClinGen allele CA6691329.
Genomic context (GRCh38, chr12:75,207,885, plus strand): 5'-CTTGTCGCCCGCCGTGGTCAAGCAGTCGCCTGGGGGCTCGGAGGAGGCAAGAAGGGCCAG[G>A]CGTGTTCCAGGCAGGGTCTTGAGGGTGCTGCGGTAGGTTTCGTGCCGGGTGCCCCCGACA-3'
Protein context (NP_631875.1, residues 23-43): RSTLKTLPGT[Arg33=]LALLASSEPP

ClinVar aggregate classification (germline): Likely benign (1 of 4 stars; one submission).

Allele frequency attached by ClinVar (database versions not stated): 1000 Genomes Project 0.00020; 1000 Genomes Project 30x 0.00031; ExAC 0.00049; ESP Exome Variant Server 0.00051; gnomAD exomes 0.00063; TOPMed 0.00075; gnomAD 0.00086.
gnomAD v4.1: 1,048 of 1,612,778 alleles (0.065%); highest among the groups gnomAD compares: Admixed American, 0.21%; 3 homozygotes.

Submission:

CeGaT Center for Human Genetics Tuebingen
Classification: Likely benign. Last evaluated: 2026-04-01. Review status: criteria provided, single submitter. Criteria: CeGaT Center For Human Genetics Tuebingen Variant Classification Criteria Version 2. Collection method: clinical testing. Allele origin: germline. Affected: yes. Observed: 2 variant alleles.
Comment: KCNC2: BP4, BP7